The following is an entry in ClinVar:

NM_007294.4(BRCA1):c.5486A>C (p.Glu1829Ala)

Gene: BRCA1 (BRCA1 DNA repair associated; minus strand). Cytogenetic location: 17q21.31.
Variant type: single nucleotide variant.
Coding change: c.5486A>C on transcript NM_007294.4 (MANE Select); coding-DNA position 5486, A replaced by C.
Protein change: p.Glu1829Ala; replaces glutamic acid 1829 with alanine.
Molecular consequence: missense variant. On other transcripts: stop lost (17), non-coding transcript variant (1).
Genome position (GRCh38, 1-based): chr17:43,045,784, T>G on the plus strand (A>C on the coding strand, the complement: BRCA1 is on the minus strand). VCF-style: chr17-43045784-T-G. GRCh37 (hg19) VCF-style: chr17-41197801-T-G.
Other names: *700C; c.5486A>C, p.Glu1829Ala (NM_001407605.1, NM_001407593.1, NM_001407594.1 and 5 more transcripts); c.5483A>C, p.Glu1828Ala (NM_001407610.1, NM_001407611.1, NM_001407612.1 and 14 more transcripts); c.5222A>C, p.Glu1741Ala (NM_001407925.1, NM_001407926.1, NM_001407920.1 and 4 more transcripts); c.5219A>C, p.Glu1740Ala (NM_001407927.1, NM_001407928.1, NM_001407929.1 and 4 more transcripts); c.5216A>C, p.Glu1739Ala (NM_001407934.1, NM_001407935.1, NM_001407936.1); c.2168A>C, p.Glu723Ala (NM_001408407.1, NM_001408408.1, NM_001408406.1); c.2165A>C, p.Glu722Ala (NM_001408409.1); and 84 more; short protein forms E1782A, E1829A, E725A, E1850A, E1810A, E1825A, E1828A, E1849A.
Identifiers: ClinVar variation 868978 (VCV000868978.3), dbSNP rs2050884691, ClinGen allele CA10590335.
Genomic context (GRCh38, chr17:43,045,784, plus strand): 5'-TCCTGGCACTGGTAGAGTGCTACACTGTCCAACACCCACTCTCGGGTCACCACAGGTGCC[T>G]CACACATCTGCCCAATTGCTGGAGACAGAGAACACAAGCAGAGATTAGTGTCAATTCATT-3'
Protein context (NP_009225.1, residues 1819-1839): NGFHAIGQMC[Glu1829Ala]APVVTREWVL

Conditions:
Breast-ovarian cancer, familial, susceptibility to, 1 (BROVCA1). Also called: BRCA1 Hereditary Breast and Ovarian Cancer; OVARIAN CANCER, SUSCEPTIBILITY TO. Identifiers: Orphanet 145, MedGen C2676676, MONDO:0011450, OMIM 604370. Disease mechanism: loss of function.

Submission:

Brotman Baty Institute, University of Washington
No classification provided (evidence only). Condition: Breast-ovarian cancer, familial 1. Review status: no classification provided. Collection method: in vitro. Allele origin: not applicable. Functional consequence: functionally_normal.
ClinVar note: "not provided" was previously submitted as the classification for the variant. However, the classification appeared to be based only on an observation of functional data so it was converted to no classification on 2025-07-30.